The following is an entry in ClinVar:

NM_006389.5(HYOU1):c.2887+20G>A

Gene: HYOU1 (hypoxia up-regulated 1; minus strand). Cytogenetic location: 11q23.3.
Variant type: single nucleotide variant.
Coding change: c.2887+20G>A on transcript NM_006389.5 (MANE Select); 20 bases into the intron after coding-DNA position 2887, G replaced by A.
Molecular consequence: intron variant.
Genome position (GRCh38, 1-based): chr11:119,046,397, C>T on the plus strand (G>A on the coding strand, the complement: HYOU1 is on the minus strand). VCF-style: chr11-119046397-C-T. GRCh37 (hg19) VCF-style: chr11-118917109-C-T.
Other names: c.2887+20G>A (NM_001130991.3).
Identifiers: ClinVar variation 2002038 (VCV002002038.4), dbSNP rs2497090505, ClinGen allele CA2580083607.

ClinVar aggregate classification (germline): Uncertain significance (1 of 4 stars; one submission).

gnomAD v4.1: 3 of 1,613,628 alleles (0.00019%); highest among the groups gnomAD compares: Non-Finnish European, 0.00025%; no homozygotes.

Submission:

Labcorp Genetics (formerly Invitae), Labcorp
Classification: Uncertain significance. Last evaluated: 2022-09-17. Review status: criteria provided, single submitter. Criteria: Invitae Variant Classification Sherloc (09022015). Collection method: clinical testing. Allele origin: germline.
Comment: In summary, the available evidence is currently insufficient to determine the role of this variant in disease. Therefore, it has been classified as a Variant of Uncertain Significance. This variant has not been reported in the literature in individuals affected with HYOU1-related conditions. This variant is not present in population databases (gnomAD no frequency). This sequence change falls in intron 24 of the HYOU1 gene. It does not directly change the encoded amino acid sequence of the HYOU1 protein.